The following is an entry in ClinVar:

ClinVar aggregate classification (germline): Uncertain significance (1 of 4 stars; one submission).

Conditions:
ADCY3-related disorder. Also called: ADCY3-related condition.

gnomAD v4.1: 1 of 1,614,128 alleles (0.000062%); highest among the groups gnomAD compares: Non-Finnish European, 0.000085%; no homozygotes.

Submission:

PreventionGenetics, part of Exact Sciences
Classification: Uncertain significance for ADCY3-related condition. Last evaluated: 2025-09-03. Review status: criteria provided, single submitter. Criteria: ACMG Guidelines, 2015. Collection method: clinical testing. Allele origin: germline.
Comment: The ADCY3 c.2414A>T variant is predicted to result in the amino acid substitution p.Lys805Met. To our knowledge, this variant has not been reported in the literature or in a large population database (gnomAD), indicating this variant is rare. At this time, the clinical significance of this variant is uncertain due to the absence of conclusive functional and genetic evidence.

NM_004036.5(ADCY3):c.2414A>T (p.Lys805Met)

Gene: ADCY3 (adenylate cyclase 3; minus strand). Cytogenetic location: 2p23.3.
Variant type: single nucleotide variant.
Coding change: c.2414A>T on transcript NM_004036.5 (MANE Select); coding-DNA position 2414, A replaced by T.
Protein change: p.Lys805Met; replaces lysine 805 with methionine.
Molecular consequence: missense variant. On other transcripts: intron variant (1).
Genome position (GRCh38, 1-based): chr2:24,827,920, T>A on the plus strand (A>T on the coding strand, the complement: ADCY3 is on the minus strand). VCF-style: chr2-24827920-T-A. GRCh37 (hg19) VCF-style: chr2-25050789-T-A.
Other names: c.2414A>T, p.Lys805Met (NM_001320613.2, NM_001377132.1); c.2480A>T, p.Lys827Met (NM_001377128.1); c.2276A>T, p.Lys759Met (NM_001377129.1); c.1691A>T, p.Lys564Met (NM_001377131.1); c.2172+2789A>T (NM_001377130.1); short protein forms K564M, K827M, K805M, K759M.
Identifiers: ClinVar variation 4982068 (VCV004982068.1).
Genomic context (GRCh38, chr2:24,827,920, plus strand): 5'-AGGAAGGAGACAATACAGATCCCCAGTCACGCTTCATCTTACTCGTGCTCCCGAAAACGC[T>A]TGTGGTCGTATTCATCAAAGACGGGACGCCAGGCATAGAGGTTGATGGTGGCCACGGCGC-3'
Protein context (NP_004027.2, residues 795-815): WRPVFDEYDH[Lys805Met]RFREHDLPMV